The following is an entry in ClinVar:

NM_000203.5(IDUA):c.590-2A>G

Gene: IDUA (alpha-L-iduronidase; plus strand). Cytogenetic location: 4p16.3.
Variant type: single nucleotide variant.
Coding change: c.590-2A>G on transcript NM_000203.5 (MANE Select); the canonical splice acceptor site of the intron before coding-DNA position 590, A replaced by G.
Molecular consequence: splice acceptor variant.
Genome position (GRCh38, 1-based): chr4:1,001,677, A>G. VCF-style: chr4-1001677-A-G. GRCh37 (hg19) VCF-style: chr4-995465-A-G.
Other names: c.194-2A>G (NM_001363576.1).
Identifiers: ClinVar variation 947603 (VCV000947603.10), dbSNP rs1252941339, ClinGen allele CA355961849.

ClinVar aggregate classification (germline): Pathogenic (1 of 4 stars; one submission).

Conditions:
Mucopolysaccharidosis type 1. Also called: IDUA deficiency; MPS I; Mucopolysaccharidosis Type I. Identifiers: Orphanet 579, MedGen C0023786, MONDO:0001586.

Submission:

Labcorp Genetics (formerly Invitae), Labcorp
Classification: Pathogenic for Mucopolysaccharidosis type 1. Last evaluated: 2023-07-14. Review status: criteria provided, single submitter. Criteria: Invitae Variant Classification Sherloc (09022015). Collection method: clinical testing. Allele origin: germline.
Comment: For these reasons, this variant has been classified as Pathogenic. Algorithms developed to predict the effect of sequence changes on RNA splicing suggest that this variant may disrupt the consensus splice site. ClinVar contains an entry for this variant (Variation ID: 947603). Disruption of this splice site has been observed in individual(s) with mucopolysaccharidosis type I (PMID: 28728811, 29705972). This variant is not present in population databases (gnomAD no frequency). This sequence change affects an acceptor splice site in intron 5 of the IDUA gene. It is expected to disrupt RNA splicing. Variants that disrupt the donor or acceptor splice site typically lead to a loss of protein function (PMID: 16199547), and loss-of-function variants in IDUA are known to be pathogenic (PMID: 11735025, 21480867).

Literature cited by the submitters: PubMed 28728811; PubMed 29705972; PubMed 16199547; PubMed 11735025; PubMed 21480867.